The following is an entry in ClinVar:

NM_000038.6(APC):c.652A>G (p.Ile218Val)

Gene: APC (APC regulator of Wnt signaling pathway; plus strand). Cytogenetic location: 5q22.2.
Variant type: single nucleotide variant.
Coding change: c.652A>G on transcript NM_000038.6 (MANE Select); coding-DNA position 652, A replaced by G.
Protein change: p.Ile218Val; replaces isoleucine 218 with valine.
Molecular consequence: missense variant. On other transcripts: 5 prime UTR variant (1), intron variant (2).
Genome position (GRCh38, 1-based): chr5:112,792,452, A>G. VCF-style: chr5-112792452-A-G. GRCh37 (hg19) VCF-style: chr5-112128149-A-G.
Other names: c.652A>G, p.Ile218Val (NM_001127510.3, NM_001354895.2, NM_001354896.2 and 1 more transcripts); c.682A>G, p.Ile228Val (NM_001354897.2, NM_001354902.2); c.577A>G, p.Ile193Val (NM_001354898.2, NM_001354904.2); c.475A>G, p.Ile159Val (NM_001354900.2, NM_001354901.2, NM_001354905.2); c.-384A>G (NM_001354906.2); c.676-8827A>G (NM_001127511.3); c.646-8827A>G (NM_001354899.2); short protein forms I218V, I193V, I228V, I159V.
Identifiers: ClinVar variation 630110 (VCV000630110.12), dbSNP rs781561221, ClinGen allele CA045236.
Genomic context (GRCh38, chr5:112,792,452, plus strand): 5'-CTATTAATATTATTAATAAAAACATAACTAATTAGGTTTCTTGTTTTATTTTAGCGAAGA[A>G]TAGCCAGAATTCAGCAAATCGAAAAGGACATACTTCGTATACGACAGCTTTTACAGTCCC-3'
Protein context (NP_000029.2, residues 208-228): QDMEKRAQRR[Ile218Val]ARIQQIEKDI

ClinVar aggregate classification (germline): Conflicting classifications of pathogenicity. Review status: criteria provided, conflicting classifications (1 of 4 stars). 4 submissions from 4 submitters: Uncertain significance (3); Likely benign (1). Last evaluated 2025-11-21.

Conditions:
Hereditary cancer-predisposing syndrome. Also called: Neoplastic Syndromes, Hereditary; Tumor predisposition; Hereditary neoplastic syndrome; Hereditary Cancer Syndrome. Identifiers: Orphanet 140162, MedGen C0027672, MeSH D009386, MONDO:0015356.
Familial adenomatous polyposis 1 (FAP1). Also called: POLYPOSIS, ADENOMATOUS INTESTINAL; FAMILIAL ADENOMATOUS POLYPOSIS 1, ATTENUATED. Identifiers: MedGen C2713442, MONDO:0021056, OMIM 175100. Disease mechanism: loss of function.

Allele frequency attached by ClinVar (database versions not stated): gnomAD exomes below 0.00001; TOPMed below 0.00001; ExAC 0.00001.
gnomAD v4.1: 1 of 1,609,172 alleles (0.000062%); highest among the groups gnomAD compares: South Asian, 0.0011%; no homozygotes.

Submissions (4):

Labcorp Genetics (formerly Invitae), Labcorp
Classification: Uncertain significance for Familial adenomatous polyposis 1. Last evaluated: 2025-11-21. Review status: criteria provided, single submitter. Criteria: Invitae Variant Classification Sherloc (09022015). Collection method: clinical testing. Allele origin: germline.
Comment: This sequence change replaces isoleucine, which is neutral and non-polar, with valine, which is neutral and non-polar, at codon 218 of the APC protein (p.Ile218Val). This variant is present in population databases (rs781561221, gnomAD 0.003%). This variant has not been reported in the literature in individuals affected with APC-related conditions. ClinVar contains an entry for this variant (Variation ID: 630110). Invitae Evidence Modeling of protein sequence and biophysical properties (such as structural, functional, and spatial information, amino acid conservation, physicochemical variation, residue mobility, and thermodynamic stability) indicates that this missense variant is not expected to disrupt APC protein function with a negative predictive value of 95%. In summary, the available evidence is currently insufficient to determine the role of this variant in disease. Therefore, it has been classified as a Variant of Uncertain Significance.

Color Diagnostics, LLC DBA Color Health
Classification: Uncertain significance for Hereditary cancer-predisposing syndrome. Last evaluated: 2023-12-05. Review status: criteria provided, single submitter. Criteria: ACMG Guidelines, 2015. Collection method: clinical testing. Allele origin: germline.
Comment: This missense variant replaces isoleucine with valine at codon 218 of the APC protein. Computational prediction suggests that this variant may not impact protein structure and function (internally defined REVEL score threshold <= 0.5, PMID: 27666373). To our knowledge, functional studies have not been reported for this variant. This variant has not been reported in individuals affected with APC-related disorders in the literature. This variant has been identified in 1/250634 chromosomes in the general population by the Genome Aggregation Database (gnomAD). The available evidence is insufficient to determine the role of this variant in disease conclusively. Therefore, this variant is classified as a Variant of Uncertain Significance.

Ambry Genetics
Classification: Likely benign for Hereditary cancer-predisposing syndrome. Last evaluated: 2023-03-23. Review status: criteria provided, single submitter. Criteria: Ambry Variant Classification Scheme 2023. Collection method: clinical testing. Allele origin: germline.

GeneDx
Classification: Uncertain significance. Last evaluated: 2022-01-30. Review status: criteria provided, single submitter. Criteria: GeneDx Variant Classification Process June 2021. Collection method: clinical testing. Allele origin: germline. Affected: yes.
Comment: Not observed at significant frequency in large population cohorts (gnomAD); In silico analysis supports that this missense variant does not alter protein structure/function; Has not been previously published as pathogenic or benign to our knowledge